The following is an entry in ClinVar:

ClinVar aggregate classification (germline): Pathogenic. Review status: criteria provided, multiple submitters, no conflicts (2 of 4 stars). 2 submissions from 2 submitters: Pathogenic (2). Last evaluated 2022-07-27.

Conditions:
Cardiovascular phenotype. Identifiers: MedGen CN230736.
Hereditary cancer-predisposing syndrome. Also called: Neoplastic Syndromes, Hereditary; Tumor predisposition; Hereditary Cancer Syndrome; Hereditary neoplastic syndrome. Identifiers: Orphanet 140162, MedGen C0027672, MeSH D009386, MONDO:0015356.

Submissions (2):

Ambry Genetics
Classification: Pathogenic for Cardiovascular phenotype; Hereditary cancer-predisposing syndrome. Last evaluated: 2022-07-27. Review status: criteria provided, single submitter. Criteria: Ambry Variant Classification Scheme 2023. Collection method: clinical testing. Allele origin: germline.
Comment: The c.897dupT variant, located in coding exon 9 of the LZTR1 gene, results from a duplication of T at nucleotide position 897, causing a translational frameshift with a predicted alternate stop codon (p.G300Wfs*16). This alteration is expected to result in loss of function by premature protein truncation or nonsense-mediated mRNA decay. Loss-of-function variants in LZTR1 are related to an increased risk for schwannomas and autosomal recessive Noonan syndrome; however, such associations with autosomal dominant Noonan syndrome have not been observed (Piotrowski A et al. Nat Genet. 2014 Feb;46:182-7; Yamamoto GL et al. J Med Genet. 2015 Jun;52:413-21; Johnston JJ et al. Genet Med. 2018 10;20:1175-1185). Based on the supporting evidence, this variant is pathogenic for an increased risk of nerve sheath tumors and would be expected to cause autosomal recessive Noonan syndrome when present along with a second pathogenic or likely pathogenic variant on the other allele; however, the association of this alteration with autosomal dominant Noonan syndrome is unlikely.

Labcorp Genetics (formerly Invitae), Labcorp
Classification: Pathogenic. Last evaluated: 2022-01-06. Review status: criteria provided, single submitter. Criteria: Invitae Variant Classification Sherloc (09022015). Collection method: clinical testing. Allele origin: germline.
Comment: For these reasons, this variant has been classified as Pathogenic. This variant has not been reported in the literature in individuals affected with LZTR1-related conditions. This variant is not present in population databases (gnomAD no frequency). This sequence change creates a premature translational stop signal (p.Gly300Trpfs*16) in the LZTR1 gene. It is expected to result in an absent or disrupted protein product. Loss-of-function variants in LZTR1 are known to be pathogenic (PMID: 24362817, 25335493, 25480913, 25795793, 29469822, 30442762, 30442766, 30481304, 30859559).

Literature cited by the submitters: PubMed 24362817 (cited by Labcorp Genetics (formerly Invitae), Labcorp); PubMed 25335493 (cited by Labcorp Genetics (formerly Invitae), Labcorp); PubMed 25480913 (cited by Labcorp Genetics (formerly Invitae), Labcorp); PubMed 25795793 (cited by Labcorp Genetics (formerly Invitae), Labcorp); PubMed 29469822 (cited by Labcorp Genetics (formerly Invitae), Labcorp); PubMed 30442762 (cited by Labcorp Genetics (formerly Invitae), Labcorp); PubMed 30442766 (cited by Labcorp Genetics (formerly Invitae), Labcorp); PubMed 30481304 (cited by Labcorp Genetics (formerly Invitae), Labcorp); PubMed 30859559 (cited by Labcorp Genetics (formerly Invitae), Labcorp).

NM_006767.4(LZTR1):c.897dup (p.Gly300fs)

Gene: LZTR1 (leucine zipper like post translational regulator 1; plus strand). Cytogenetic location: 22q11.21.
Variant type: Duplication.
Coding change: c.897dup on transcript NM_006767.4 (MANE Select); coding-DNA position 897, one base duplicated (T; older notation c.897dupT).
Protein change: p.Gly300fs; shifts the reading frame from glycine 300.
Molecular consequence: frameshift variant.
Genome position (GRCh38, 1-based): chr22:20,991,733, T duplicated; the last of 3 consecutive T bases (chr22:20,991,731-20,991,733); duplicating any one gives the same sequence. VCF-style (leftmost placement, unchanged base first): chr22-20991730-G-GT. GRCh37 (hg19) VCF-style: chr22-21346019-G-GT.
Other names: short protein forms G300fs.
Identifiers: ClinVar variation 1765313 (VCV001765313.7), dbSNP rs750213029, ClinGen allele CA10118658.